The following is an entry in ClinVar:

ClinVar aggregate classification (germline): Uncertain significance (1 of 4 stars; one submission).

Conditions:
Inborn genetic diseases. Identifiers: MedGen C0950123, MeSH D030342.

Submission:

Ambry Genetics
Classification: Uncertain significance for Inborn genetic diseases. Last evaluated: 2026-02-27. Review status: criteria provided, single submitter. Criteria: Ambry Variant Classification Scheme 2023. Collection method: clinical testing. Allele origin: germline.
Comment: The p.Q956P variant (also known as c.2867A>C), located in coding exon 30 of the FANCA gene, results from an A to C substitution at nucleotide position 2867. The glutamine at codon 956 is replaced by proline, an amino acid with similar properties. This amino acid position is conserved. In addition, the in silico prediction for this alteration is inconclusive. Based on the available evidence, the clinical significance of this variant remains unclear.

NM_000135.4(FANCA):c.2867A>C (p.Gln956Pro)

Gene: FANCA (FA complementation group A; minus strand). Cytogenetic location: 16q24.3.
Variant type: single nucleotide variant.
Coding change: c.2867A>C on transcript NM_000135.4 (MANE Select); coding-DNA position 2867, A replaced by C.
Protein change: p.Gln956Pro; replaces glutamine 956 with proline.
Molecular consequence: missense variant.
Genome position (GRCh38, 1-based): chr16:89,758,691, T>G on the plus strand (A>C on the coding strand, the complement: FANCA is on the minus strand). VCF-style: chr16-89758691-T-G. GRCh37 (hg19) VCF-style: chr16-89825099-T-G.
Other names: c.2867A>C, p.Gln956Pro (NM_001286167.3); short protein forms Q956P.
Identifiers: ClinVar variation 4826904 (VCV004826904.1).
Genomic context (GRCh38, chr16:89,758,691, plus strand): 5'-TCTCCGTCACAGCCCCCTGAAGCCGAGGACTCAGGGAGAAAGTGCTCATGGATCGCCCAC[T>G]GGTGGAAGTCCTGCCTAGAACAGCAAACACTGCTATCAATTCTGAGAAATGCTTCGTGGC-3'
Protein context (NP_000126.2, residues 946-966): LSDTERQDFH[Gln956Pro]WAIHEHFLPE